The following is an entry in ClinVar:

NM_024301.5(FKRP):c.1210C>T (p.Arg404Cys)

Gene: FKRP (fukutin related protein; plus strand). Cytogenetic location: 19q13.32.
Variant type: single nucleotide variant.
Coding change: c.1210C>T on transcript NM_024301.5 (MANE Select); coding-DNA position 1210, C replaced by T.
Protein change: p.Arg404Cys; replaces arginine 404 with cysteine.
Molecular consequence: missense variant.
Genome position (GRCh38, 1-based): chr19:46,756,660, C>T. VCF-style: chr19-46756660-C-T. GRCh37 (hg19) VCF-style: chr19-47259917-C-T.
Other names: c.1210C>T, p.Arg404Cys (NM_001039885.3); short protein forms R404C.
Identifiers: ClinVar variation 2675700 (VCV002675700.5), dbSNP rs1437430439, ClinGen allele CA406496878.
Genomic context (GRCh38, chr19:46,756,660, plus strand): 5'-GGCTCGGTGGTGGATGAGCGCGGCTTCGTATGGGAGAAGGCGGTCGAGGGCGACTTTTTC[C>T]GCGTGCAGTACAGCGAAAGCAACCACTTGCACGTGGACCTGTGGCCCTTCTACCCCCGCA-3'
Protein context (NP_077277.1, residues 394-414): WEKAVEGDFF[Arg404Cys]VQYSESNHLH

ClinVar aggregate classification (germline): Conflicting classifications of pathogenicity. Review status: criteria provided, conflicting classifications (1 of 4 stars). 4 submissions from 4 submitters: Pathogenic (1); Likely pathogenic (1); Uncertain significance (2). Last evaluated 2025-10-06.

Conditions:
Muscular dystrophy-dystroglycanopathy (congenital with brain and eye anomalies), type A5. Also called: MUSCULAR DYSTROPHY-DYSTROGLYCANOPATHY (CONGENITAL WITH BRAIN AND EYE ANOMALIES), TYPE A, 5; WALKER-WARBURG SYNDROME OR MUSCLE-EYE-BRAIN DISEASE, FKRP-RELATED. Identifiers: Orphanet 588, Orphanet 899, MedGen C3150413, MONDO:0013157, OMIM 613153.
Muscular dystrophy-dystroglycanopathy type B5 (MDDGB5). Also called: MUSCULAR DYSTROPHY, CONGENITAL, 1C; MUSCULAR DYSTROPHY, CONGENITAL, FKRP-RELATED; MUSCULAR DYSTROPHY-DYSTROGLYCANOPATHY (CONGENITAL WITH OR WITHOUT IMPAIRED INTELLECTUAL DEVELOPMENT), TYPE B, 5. Identifiers: MedGen C1847759, MONDO:0011688, OMIM 606612.
Autosomal recessive limb-girdle muscular dystrophy type 2I. Also called: MUSCULAR DYSTROPHY, LIMB-GIRDLE, TYPE 2I; MUSCULAR DYSTROPHY-DYSTROGLYCANOPATHY (LIMB-GIRDLE), TYPE C, 5; MUSCULAR DYSTROPHY-DYSTROGLYCANOPATHY, LIMB-GIRDLE, FRKP-RELATED. Identifiers: Orphanet 34515, MedGen C1846672, MONDO:0011787, OMIM 607155.
Myopathy caused by variation in FKRP. Identifiers: MedGen CN305637, MONDO:0700066.

Allele frequency attached by ClinVar (database versions not stated): gnomAD exomes below 0.00001; TOPMed below 0.00001.

Submissions (4):

Myriad Genetics, Inc.
Classification: Uncertain significance for Myopathy caused by variation in FKRP. Last evaluated: 2025-10-06. Review status: criteria provided, single submitter. Criteria: Myriad Autosomal Dominant, Autosomal Recessive and X-Linked Classification Criteria (2023). Collection method: clinical testing. Allele origin: unknown.
Comment: NM_024301.4(FKRP):c.1210C>T(R404C) is a missense variant classified as a variant of uncertain significance in the context of FKRP-related disorders. R404C has been observed in cases with relevant disease (PMID: 16476814, 32342672). Relevant functional assessments of this variant are not available in the literature. R404C has been observed in referenced population frequency databases. In summary, there is insufficient evidence to classify NM_024301.4(FKRP):c.1210C>T(R404C) as pathogenic or benign. Please note: this variant was assessed in the context of healthy population screening.

Fulgent Genetics
Classification: Likely pathogenic for Muscular dystrophy-dystroglycanopathy type B5; Autosomal recessive limb-girdle muscular dystrophy type 2I; Muscular dystrophy-dystroglycanopathy (congenital with brain and eye anomalies), type A5. Last evaluated: 2024-03-26. Review status: criteria provided, single submitter. Criteria: ACMG Guidelines, 2015. Collection method: clinical testing. Allele origin: germline.

Women's Health and Genetics/Laboratory Corporation of America, LabCorp
Classification: Uncertain significance. Last evaluated: 2024-03-22. Review status: criteria provided, single submitter. Criteria: LabCorp Variant Classification Summary - May 2015. Collection method: clinical testing. Allele origin: germline.
Comment: Variant summary: FKRP c.1210C>T (p.Arg404Cys) results in a non-conservative amino acid change in the encoded protein sequence. Five of five in-silico tools predict a damaging effect of the variant on protein function. The frequency data for this variant in gnomAD (v2.1 dataset) is considered unreliable, as metrics indicate poor data quality at this position. The variant, c.1210C>T, has been reported in the literature in a compound heterozygous individual affected with Limb-Girdle Muscular Dystrophy, who carried a 2nd pathogenic variant (Mercuri_2006, Sframeli_2017, Manzini_2008). These data do not allow any conclusion about variant significance. To our knowledge, no experimental evidence demonstrating an impact on protein function has been reported. The following publications have been ascertained in the context of this evaluation (PMID: 16476814, 28688748, 18752264). ClinVar contains an entry for this variant (Variation ID: 2675700). Based on the evidence outlined above, the variant was classified as uncertain significance.

Baylor Genetics
Classification: Pathogenic for Muscular dystrophy-dystroglycanopathy (congenital with brain and eye anomalies), type A5. Last evaluated: 2023-05-31. Review status: criteria provided, single submitter. Criteria: ACMG Guidelines, 2015. Collection method: clinical testing. Allele origin: unknown.

Literature cited by the submitters: PubMed 16476814 (cited by Myriad Genetics, Inc. and Women's Health and Genetics/Laboratory Corporation of America, LabCorp); PubMed 32342672 (cited by Myriad Genetics, Inc.); PubMed 28688748 (cited by Women's Health and Genetics/Laboratory Corporation of America, LabCorp); PubMed 18752264 (cited by Women's Health and Genetics/Laboratory Corporation of America, LabCorp).